The following is an entry in ClinVar:

NM_004525.3(LRP2):c.9432G>A (p.Met3144Ile)

Gene: LRP2 (LDL receptor related protein 2; minus strand). Cytogenetic location: 2q31.1.
Variant type: single nucleotide variant.
Coding change: c.9432G>A on transcript NM_004525.3 (MANE Select); coding-DNA position 9432, G replaced by A.
Protein change: p.Met3144Ile; replaces methionine 3144 with isoleucine.
Molecular consequence: missense variant.
Genome position (GRCh38, 1-based): chr2:169,185,916, C>T on the plus strand (G>A on the coding strand, the complement: LRP2 is on the minus strand). VCF-style: chr2-169185916-C-T. GRCh37 (hg19) VCF-style: chr2-170042426-C-T.
Other names: c.9432G>A (NM_004525.2); short protein forms M3144I.
Identifiers: ClinVar variation 1016108 (VCV001016108.9), dbSNP rs566869929, ClinGen allele CA1953574.
Genomic context (GRCh38, chr2:169,185,916, plus strand): 5'-GCTACAGACAAAAGGCATCTCTGTGCATTCATCAATATCAACACAAGTCCGCTTGTCAGA[C>T]ATGAGCTTGTAACCAGGACGACAGGAACAATAGAAACTGGTTAAGGTGTCTGTGCAGTTG-3'
Protein context (NP_004516.2, residues 3134-3154): YCSCRPGYKL[Met3144Ile]SDKRTCVDID

ClinVar aggregate classification (germline): Uncertain significance. Review status: criteria provided, multiple submitters, no conflicts (2 of 4 stars). 5 submissions from 5 submitters: Uncertain significance (5). Last evaluated 2025-08-08.

Conditions:
Donnai-Barrow syndrome. Also called: DBS/FOAR SYNDROME; FACIOOCULOACOUSTICORENAL SYNDROME. Identifiers: Orphanet 2143, MedGen C1857277, MONDO:0009104, OMIM 222448.
Inborn genetic diseases. Identifiers: MedGen C0950123, MeSH D030342.

Allele frequency attached by ClinVar (database versions not stated): 1000 Genomes Project 30x 0.00016; 1000 Genomes Project 0.00020; TOPMed 0.00024; gnomAD 0.00013; ExAC 0.00001; gnomAD exomes 0.00001.
gnomAD v4.1: 36 of 1,613,942 alleles (0.0022%); highest among the groups gnomAD compares: Admixed American, 0.048%; no homozygotes.

Submissions (5):

GeneDx
Classification: Uncertain significance. Last evaluated: 2025-08-08. Review status: criteria provided, single submitter. Criteria: GeneDx Variant Classification Process June 2021. Collection method: clinical testing. Allele origin: germline. Affected: yes.
Comment: In silico analysis suggests that this missense variant does not alter protein structure/function; Has not been previously published as pathogenic or benign to our knowledge

Fulgent Genetics
Classification: Uncertain significance for Donnai-Barrow syndrome. Last evaluated: 2024-03-01. Review status: criteria provided, single submitter. Criteria: ACMG Guidelines, 2015. Collection method: clinical testing. Allele origin: germline.

Ambry Genetics
Classification: Uncertain significance for Inborn genetic diseases. Last evaluated: 2024-02-28. Review status: criteria provided, single submitter. Criteria: Ambry Variant Classification Scheme 2023. Collection method: clinical testing. Allele origin: germline.

Blueprint Genetics
Classification: Uncertain significance. Last evaluated: 2024-01-29. Review status: criteria provided, single submitter. Criteria: ACMG Guidelines, 2015. Collection method: clinical testing. Allele origin: germline.

Labcorp Genetics (formerly Invitae), Labcorp
Classification: Uncertain significance. Last evaluated: 2022-08-23. Review status: criteria provided, single submitter. Criteria: Invitae Variant Classification Sherloc (09022015). Collection method: clinical testing. Allele origin: germline.
Comment: This sequence change replaces methionine, which is neutral and non-polar, with isoleucine, which is neutral and non-polar, at codon 3144 of the LRP2 protein (p.Met3144Ile). This variant is present in population databases (rs566869929, gnomAD 0.009%). This variant has not been reported in the literature in individuals affected with LRP2-related conditions. ClinVar contains an entry for this variant (Variation ID: 1016108). Advanced modeling of protein sequence and biophysical properties (such as structural, functional, and spatial information, amino acid conservation, physicochemical variation, residue mobility, and thermodynamic stability) performed at Invitae indicates that this missense variant is not expected to disrupt LRP2 protein function. In summary, the available evidence is currently insufficient to determine the role of this variant in disease. Therefore, it has been classified as a Variant of Uncertain Significance.